The following is an entry in ClinVar:

NM_001347721.2(DYRK1A):c.1365C>A (p.Pro455=)

Gene: DYRK1A (dual specificity tyrosine phosphorylation regulated kinase 1A; plus strand). Cytogenetic location: 21q22.13.
Variant type: single nucleotide variant.
Coding change: c.1365C>A on transcript NM_001347721.2 (MANE Select); coding-DNA position 1365, C replaced by A.
Protein change: p.Pro455=; no amino-acid change (proline 455 retained).
Molecular consequence: synonymous variant.
Genome position (GRCh38, 1-based): chr21:37,505,435, C>A. VCF-style: chr21-37505435-C-A. GRCh37 (hg19) VCF-style: chr21-38877738-C-A.
Other names: c.1365C>A, p.Pro455= (NM_001347722.2, NM_130436.2); c.1278C>A, p.Pro426= (NM_001347723.2); c.1392C>A, p.Pro464= (NM_001396.5, NM_101395.2, NM_130438.2); c.1392C>A (NM_001396.4).
Identifiers: ClinVar variation 387648 (VCV000387648.15), dbSNP rs745311187, ClinGen allele CA10023972.

ClinVar aggregate classification (germline): Likely benign. Review status: criteria provided, multiple submitters, no conflicts (2 of 4 stars). 4 submissions from 4 submitters: Likely benign (3). 1 of the submissions does not count toward it. Last evaluated 2024-06-17.

Conditions:
DYRK1A-related disorder.
DYRK1A-related intellectual disability syndrome (MRD7). Also called: Intellectual developmental disorder, autosomal dominant 7; DYRK1A Syndrome. Identifiers: Orphanet 464306, MedGen C5568143, MONDO:0013578, OMIM 614104.

Allele frequency attached by ClinVar (database versions not stated): ExAC 0.00002; gnomAD exomes 0.00003 and 0.00005; TOPMed 0.00011; gnomAD 0.00027 and 0.00029.
gnomAD v4.1: 78 of 1,614,000 alleles (0.0048%); highest among the groups gnomAD compares: Admixed American, 0.082%; no homozygotes.

Submissions (4):

Labcorp Genetics (formerly Invitae), Labcorp
Classification: Likely benign for DYRK1A-related intellectual disability syndrome. Last evaluated: 2024-06-17. Review status: criteria provided, single submitter. Criteria: Invitae Variant Classification Sherloc (09022015). Collection method: clinical testing. Allele origin: germline.

Genetic Services Laboratory, University of Chicago
Classification: Likely benign. Last evaluated: 2017-04-12. Review status: criteria provided, single submitter. Criteria: ACMG Guidelines, 2015. Collection method: clinical testing. Allele origin: germline. Affected: no.

GeneDx
Classification: Likely benign. Last evaluated: 2017-02-14. Review status: criteria provided, single submitter. Criteria: GeneDx Variant Classification (06012015). Collection method: clinical testing. Allele origin: germline. Affected: yes.
Comment: This variant is considered likely benign or benign based on one or more of the following criteria: it is a conservative change, it occurs at a poorly conserved position in the protein, it is predicted to be benign by multiple in silico algorithms, and/or has population frequency not consistent with disease.

PreventionGenetics, part of Exact Sciences
Classification: Likely benign for DYRK1A-related condition. Last evaluated: 2024-06-26. Review status: no assertion criteria provided. Collection method: clinical testing. Allele origin: germline. Not counted in ClinVar's aggregate classification.
Comment: This variant is classified as likely benign based on ACMG/AMP sequence variant interpretation guidelines (Richards et al. 2015 PMID: 25741868, with internal and published modifications).